The following is an entry in ClinVar:

ClinVar aggregate classification (germline): Likely benign. Review status: criteria provided, multiple submitters, no conflicts (2 of 4 stars). 3 submissions from 3 submitters: Likely benign (2). 1 of the submissions does not count toward it. Last evaluated 2026-01-25.

Conditions:
SPP2-related disorder. Also called: SPP2-related condition.

Allele frequency attached by ClinVar (database versions not stated): ExAC 0.00009; TOPMed 0.00012; 1000 Genomes Project 0.00020; 1000 Genomes Project 30x 0.00031.
gnomAD v4.1: 90 of 1,614,086 alleles (0.0056%); highest among the groups gnomAD compares: East Asian, 0.071%; no homozygotes.

Submissions (3):

Labcorp Genetics (formerly Invitae), Labcorp
Classification: Likely benign. Last evaluated: 2026-01-25. Review status: criteria provided, single submitter. Criteria: Invitae Variant Classification Sherloc (09022015). Collection method: clinical testing. Allele origin: germline.

Blueprint Genetics
Classification: Likely benign. Last evaluated: 2024-10-28. Review status: criteria provided, single submitter. Criteria: ACMG Guidelines, 2015. Collection method: clinical testing. Allele origin: germline.

PreventionGenetics, part of Exact Sciences
Classification: Likely benign for SPP2-related condition. Last evaluated: 2019-02-18. Review status: no assertion criteria provided. Collection method: clinical testing. Allele origin: germline. Not counted in ClinVar's aggregate classification.
Comment: This variant is classified as likely benign based on ACMG/AMP sequence variant interpretation guidelines (Richards et al. 2015 PMID: 25741868, with internal and published modifications).

NM_006944.3(SPP2):c.48T>C (p.Ile16=)

Gene: SPP2 (secreted phosphoprotein 2; plus strand). Cytogenetic location: 2q37.1.
Variant type: single nucleotide variant.
Coding change: c.48T>C on transcript NM_006944.3 (MANE Select); coding-DNA position 48, T replaced by C.
Protein change: p.Ile16=; no amino-acid change (isoleucine 16 retained).
Molecular consequence: synonymous variant.
Genome position (GRCh38, 1-based): chr2:234,050,834, T>C. VCF-style: chr2-234050834-T-C. GRCh37 (hg19) VCF-style: chr2-234959478-T-C.
Identifiers: ClinVar variation 731805 (VCV000731805.14), dbSNP rs374261845, ClinGen allele CA2183044.